The following is an entry in ClinVar:

ClinVar aggregate classification (germline): Uncertain significance (1 of 4 stars; one submission).

Submission:

GeneDx
Classification: Uncertain significance. Last evaluated: 2026-04-01. Review status: criteria provided, single submitter. Criteria: GeneDx Variant Classification Process June 2021. Collection method: clinical testing. Allele origin: germline.
Comment: Not observed at significant frequency in large population cohorts (gnomAD); In silico analysis suggests that this missense variant does not alter protein structure/function; Has not been previously published as pathogenic or benign to our knowledge

NM_033305.3(VPS13A):c.325G>C (p.Glu109Gln)

Gene: VPS13A (vacuolar protein sorting 13 homolog A; plus strand). Cytogenetic location: 9q21.2.
Variant type: single nucleotide variant.
Coding change: c.325G>C on transcript NM_033305.3 (MANE Select); coding-DNA position 325, G replaced by C.
Protein change: p.Glu109Gln; replaces glutamic acid 109 with glutamine.
Molecular consequence: missense variant.
Genome position (GRCh38, 1-based): chr9:77,206,019, G>C. VCF-style: chr9-77206019-G-C. GRCh37 (hg19) VCF-style: chr9-79820935-G-C.
Other names: c.325G>C, p.Glu109Gln (NM_001018037.2, NM_001018038.3, NM_015186.4); short protein forms E109Q.
Identifiers: ClinVar variation 5017803 (VCV005017803.1).